The following is an entry in ClinVar:

ClinVar aggregate classification (germline): Likely benign. Review status: criteria provided, multiple submitters, no conflicts (2 of 4 stars). 2 submissions from 2 submitters: Likely benign (2). Last evaluated 2024-09-28.

Conditions:
Familial cancer of breast. Also called: Hereditary breast cancer; hereditary breast carcinoma; BREAST CANCER, FAMILIAL. Identifiers: Orphanet 227535, MedGen C0346153, MONDO:0016419, OMIM 114480. Disease mechanism: loss of function.

Allele frequency attached by ClinVar (database versions not stated): gnomAD exomes below 0.00001; ExAC 0.00002.

Submissions (2):

Labcorp Genetics (formerly Invitae), Labcorp
Classification: Likely benign for Familial cancer of breast. Last evaluated: 2024-09-28. Review status: criteria provided, single submitter. Criteria: Invitae Variant Classification Sherloc (09022015). Collection method: clinical testing. Allele origin: germline.

GeneDx
Classification: Likely benign. Last evaluated: 2016-06-23. Review status: criteria provided, single submitter. Criteria: GeneDx Variant Classification (06012015). Collection method: clinical testing. Allele origin: germline. Affected: yes.
Comment: This variant is considered likely benign or benign based on one or more of the following criteria: it is a conservative change, it occurs at a poorly conserved position in the protein, it is predicted to be benign by multiple in silico algorithms, and/or has population frequency not consistent with disease.

NM_024675.4(PALB2):c.48+16G>A

Gene: PALB2 (partner and localizer of BRCA2; minus strand). Cytogenetic location: 16p12.2.
Variant type: single nucleotide variant.
Coding change: c.48+16G>A on transcript NM_024675.4 (MANE Select); 16 bases into the intron after coding-DNA position 48, G replaced by A.
Molecular consequence: intron variant.
Genome position (GRCh38, 1-based): chr16:23,641,094, C>T on the plus strand (G>A on the coding strand, the complement: PALB2 is on the minus strand). VCF-style: chr16-23641094-C-T. GRCh37 (hg19) VCF-style: chr16-23652415-C-T.
Identifiers: ClinVar variation 387180 (VCV000387180.9), dbSNP rs759520257, ClinGen allele CA7963884.